The following is an entry in ClinVar:

ClinVar aggregate classification (germline): Uncertain significance (1 of 4 stars; one submission).

Conditions:
Baraitser-Winter syndrome 1 (BRWS1). Also called: BARAITSER-WINTER SYNDROME 1, ATYPICAL; PACHYGYRIA, MENTAL RETARDATION, EPILEPSY, AND CHARACTERISTIC FACIES; MENTAL RETARDATION WITH EPILEPSY AND CHARACTERISTIC FACIES; Cerebrofrontofacial syndrome. Identifiers: Orphanet 2649, Orphanet 2995, MedGen C1855722, MONDO:0009470, OMIM 243310.

Submission:

Labcorp Genetics (formerly Invitae), Labcorp
Classification: Uncertain significance for Baraitser-Winter syndrome 1. Last evaluated: 2025-07-09. Review status: criteria provided, single submitter. Criteria: Invitae Variant Classification Sherloc (09022015). Collection method: clinical testing. Allele origin: germline.
Comment: This sequence change replaces isoleucine, which is neutral and non-polar, with leucine, which is neutral and non-polar, at codon 136 of the ACTB protein (p.Ile136Leu). This variant is not present in population databases (gnomAD no frequency). This variant has not been reported in the literature in individuals affected with ACTB-related conditions. Invitae Evidence Modeling of protein sequence and biophysical properties (such as structural, functional, and spatial information, amino acid conservation, physicochemical variation, residue mobility, and thermodynamic stability) indicates that this missense variant is not expected to disrupt ACTB protein function with a negative predictive value of 80%. In summary, the available evidence is currently insufficient to determine the role of this variant in disease. Therefore, it has been classified as a Variant of Uncertain Significance.

NM_001101.5(ACTB):c.406A>C (p.Ile136Leu)

Gene: ACTB (actin beta; minus strand). Cytogenetic location: 7p22.1.
Variant type: single nucleotide variant.
Coding change: c.406A>C on transcript NM_001101.5 (MANE Select); coding-DNA position 406, A replaced by C.
Protein change: p.Ile136Leu; replaces isoleucine 136 with leucine.
Molecular consequence: missense variant.
Genome position (GRCh38, 1-based): chr7:5,528,677, T>G on the plus strand (A>C on the coding strand, the complement: ACTB is on the minus strand). VCF-style: chr7-5528677-T-G. GRCh37 (hg19) VCF-style: chr7-5568308-T-G.
Other names: short protein forms I136L.
Identifiers: ClinVar variation 4744247 (VCV004744247.1).